The following is an entry in ClinVar:

NM_000388.4(CASR):c.905C>G (p.Ser302Cys)

Gene: CASR (calcium sensing receptor; plus strand). Cytogenetic location: 3q21.1.
Variant type: single nucleotide variant.
Coding change: c.905C>G on transcript NM_000388.4 (MANE Select); coding-DNA position 905, C replaced by G.
Protein change: p.Ser302Cys; replaces serine 302 with cysteine.
Molecular consequence: missense variant.
Genome position (GRCh38, 1-based): chr3:122,261,940, C>G. VCF-style: chr3-122261940-C-G. GRCh37 (hg19) VCF-style: chr3-121980787-C-G.
Other names: c.905C>G, p.Ser302Cys (NM_001178065.2); short protein forms S302C.
Identifiers: ClinVar variation 2931215 (VCV002931215.3), dbSNP rs2107632520, ClinGen allele CA354151608.

ClinVar aggregate classification (germline): Uncertain significance (1 of 4 stars; one submission).

Conditions:
Autosomal dominant hypocalcemia 1 (HYPOC1). Also called: HYPOCALCEMIA, FAMILIAL. Identifiers: MedGen C3715128, MONDO:0011013, OMIM 601198.
Familial hypocalciuric hypercalcemia (FHH). Also called: Familial benign hypercalcemia. Identifiers: Orphanet 405, MedGen C1809471, MONDO:0018458.

Submission:

Labcorp Genetics (formerly Invitae), Labcorp
Classification: Uncertain significance for Familial hypocalciuric hypercalcemia; Autosomal dominant hypocalcemia 1. Last evaluated: 2023-01-14. Review status: criteria provided, single submitter. Criteria: Invitae Variant Classification Sherloc (09022015). Collection method: clinical testing. Allele origin: germline.
Comment: This variant is not present in population databases (gnomAD no frequency). In summary, the available evidence is currently insufficient to determine the role of this variant in disease. Therefore, it has been classified as a Variant of Uncertain Significance. Algorithms developed to predict the effect of missense changes on protein structure and function (SIFT, PolyPhen-2, Align-GVGD) all suggest that this variant is likely to be disruptive. This variant has not been reported in the literature in individuals affected with CASR-related conditions. This sequence change replaces serine, which is neutral and polar, with cysteine, which is neutral and slightly polar, at codon 302 of the CASR protein (p.Ser302Cys).